The following is an entry in ClinVar:

NM_003579.4(RAD54L):c.146C>T (p.Ser49Phe)

Gene: RAD54L (RAD54 like; plus strand). Cytogenetic location: 1p34.1.
Variant type: single nucleotide variant.
Coding change: c.146C>T on transcript NM_003579.4 (MANE Select); coding-DNA position 146, C replaced by T.
Protein change: p.Ser49Phe; replaces serine 49 with phenylalanine.
Molecular consequence: missense variant. On other transcripts: 5 prime UTR variant (1).
Genome position (GRCh38, 1-based): chr1:46,250,055, C>T. VCF-style: chr1-46250055-C-T. GRCh37 (hg19) VCF-style: chr1-46715727-C-T.
Other names: c.146C>T, p.Ser49Phe (NM_001142548.2); c.-395C>T (NM_001370766.1); short protein forms S49F.
Identifiers: ClinVar variation 3429801 (VCV003429801.1).
Genomic context (GRCh38, chr1:46,250,055, plus strand): 5'-CCTAGACTCCTAGGAAACGGAAATCCAGCAGTGAGACCCAGATCCAGGAGTGTTTCCTGT[C>T]TCCTTTTCGGAAACCTTTGAGTCAGCTAACCAATCAACCACCTTGTCTGGACAGCAGTCA-3'
Protein context (NP_003570.2, residues 39-59): SETQIQECFL[Ser49Phe]PFRKPLSQLT

ClinVar aggregate classification (germline): Uncertain significance (1 of 4 stars; one submission).

Submission:

Ambry Genetics
Classification: Uncertain significance. Last evaluated: 2024-08-12. Review status: criteria provided, single submitter. Criteria: Ambry Variant Classification Scheme 2023. Collection method: clinical testing. Allele origin: germline.
Comment: The p.S49F variant (also known as c.146C>T), located in coding exon 3 of the RAD54L gene, results from a C to T substitution at nucleotide position 146. The serine at codon 49 is replaced by phenylalanine, an amino acid with highly dissimilar properties. This amino acid position is conserved. In addition, this alteration is predicted to be deleterious by in silico analysis. Based on the available evidence, the clinical significance of this variant remains unclear.